The following is an entry in ClinVar:

NM_015270.5(ADCY6):c.1431C>T (p.Ser477=)

Gene: ADCY6 (adenylate cyclase 6; minus strand). Cytogenetic location: 12q13.12.
Variant type: single nucleotide variant.
Coding change: c.1431C>T on transcript NM_015270.5 (MANE Select); coding-DNA position 1431, C replaced by T.
Protein change: p.Ser477=; no amino-acid change (serine 477 retained).
Molecular consequence: synonymous variant. On other transcripts: non-coding transcript variant (1).
Genome position (GRCh38, 1-based): chr12:48,776,532, G>A on the plus strand (C>T on the coding strand, the complement: ADCY6 is on the minus strand). VCF-style: chr12-48776532-G-A. GRCh37 (hg19) VCF-style: chr12-49170315-G-A.
Other names: c.1431C>T, p.Ser477= (NM_001390830.1, NM_001390831.2, NM_001412819.1 and 3 more transcripts).
Identifiers: ClinVar variation 3057322 (VCV003057322.2), dbSNP rs778527060, ClinGen allele CA6541315.
Genomic context (GRCh38, chr12:48,776,532, plus strand): 5'-ATTGGACCACACATCGAACTGCCATTTCCGCAAGCCAAGGACGCCGCAGTGCACGCGCCC[G>A]CTGTGGATGCCCACGCGCATGTTCACATTCACACCTGTCACCTCACGTACCAGCCTGGGA-3'
Protein context (NP_056085.1, residues 467-487): VNVNMRVGIH[Ser477=]GRVHCGVLGL

ClinVar aggregate classification (germline): Likely benign (0 of 4 stars; one submission).

Conditions:
ADCY6-related disorder. Also called: ADCY6-related condition.

Allele frequency attached by ClinVar (database versions not stated): ExAC 0.00002; gnomAD exomes 0.00002; gnomAD 0.00003; TOPMed 0.00006.
gnomAD v4.1: 34 of 1,613,582 alleles (0.0021%); highest among the groups gnomAD compares: Admixed American, 0.0067%; no homozygotes.

Submission:

PreventionGenetics, part of Exact Sciences
Classification: Likely benign for ADCY6-related condition. Last evaluated: 2019-03-20. Review status: no assertion criteria provided. Collection method: clinical testing. Allele origin: germline.
Comment: This variant is classified as likely benign based on ACMG/AMP sequence variant interpretation guidelines (Richards et al. 2015 PMID: 25741868, with internal and published modifications).